The following is an entry in ClinVar:

ClinVar aggregate classification (germline): Uncertain significance (1 of 4 stars; one submission).

Conditions:
Hyperkalemic periodic paralysis. Also called: Familial hyperkalemic periodic paralysis; Gamstorp disease. Identifiers: Orphanet 682, MedGen C0238357, MONDO:0008224, OMIM 170500, HP:0007215.

gnomAD v4.1: 1 of 1,614,016 alleles (0.000062%); highest among the groups gnomAD compares: Non-Finnish European, 0.000085%; no homozygotes.

Submission:

Labcorp Genetics (formerly Invitae), Labcorp
Classification: Uncertain significance for Hyperkalemic periodic paralysis. Last evaluated: 2023-11-27. Review status: criteria provided, single submitter. Criteria: Invitae Variant Classification Sherloc (09022015). Collection method: clinical testing. Allele origin: germline.
Comment: This sequence change replaces glutamic acid, which is acidic and polar, with aspartic acid, which is acidic and polar, at codon 1208 of the SCN4A protein (p.Glu1208Asp). This variant is not present in population databases (gnomAD no frequency). This variant has not been reported in the literature in individuals affected with SCN4A-related conditions. Advanced modeling of protein sequence and biophysical properties (such as structural, functional, and spatial information, amino acid conservation, physicochemical variation, residue mobility, and thermodynamic stability) performed at Invitae indicates that this missense variant is not expected to disrupt SCN4A protein function with a negative predictive value of 95%. In summary, the available evidence is currently insufficient to determine the role of this variant in disease. Therefore, it has been classified as a Variant of Uncertain Significance.

NM_000334.4(SCN4A):c.3624G>C (p.Glu1208Asp)

Genes: GH-LCR (growth hormone locus control region; plus strand), SCN4A (sodium voltage-gated channel alpha subunit 4; minus strand). Cytogenetic location: 17q23.3.
Variant type: single nucleotide variant.
Coding change: c.3624G>C on transcript NM_000334.4 (MANE Select); coding-DNA position 3624, G replaced by C.
Protein change: p.Glu1208Asp; replaces glutamic acid 1208 with aspartic acid.
Molecular consequence: missense variant.
Genome position (GRCh38, 1-based): chr17:63,945,456, C>G on the plus strand (G>C on the coding strand, the complement: SCN4A is on the minus strand). VCF-style: chr17-63945456-C-G. GRCh37 (hg19) VCF-style: chr17-62022816-C-G.
Other names: short protein forms E1208D.
Identifiers: ClinVar variation 2872733 (VCV002872733.3), dbSNP rs1352041698, ClinGen allele CA400617884.